The following is an entry in ClinVar:

NM_001367624.2(ZNF469):c.4997C>A (p.Pro1666Gln)

Gene: ZNF469 (zinc finger protein 469; plus strand). Cytogenetic location: 16q24.2.
Variant type: single nucleotide variant.
Coding change: c.4997C>A on transcript NM_001367624.2 (MANE Select); coding-DNA position 4997, C replaced by A.
Protein change: p.Pro1666Gln; replaces proline 1666 with glutamine.
Molecular consequence: missense variant.
Genome position (GRCh38, 1-based): chr16:88,432,467, C>A. VCF-style: chr16-88432467-C-A. GRCh37 (hg19) VCF-style: chr16-88498875-C-A.
Other names: NM_001127464.1:c.4913C>A; short protein forms P1666Q.
Identifiers: ClinVar variation 1806819 (VCV001806819.3), dbSNP rs1035996608, ClinGen allele CA397094802.

ClinVar aggregate classification (germline): Uncertain significance. Review status: criteria provided, multiple submitters, no conflicts (2 of 4 stars). 3 submissions from 3 submitters: Uncertain significance (3). Last evaluated 2025-10-09.

Conditions:
Cardiovascular phenotype. Identifiers: MedGen CN230736.

gnomAD v4.1: 9 of 1,550,388 alleles (0.00058%); highest among the groups gnomAD compares: Non-Finnish European, 0.00078%; no homozygotes.

Submissions (3):

Women's Health and Genetics/Laboratory Corporation of America, LabCorp
Classification: Uncertain significance. Last evaluated: 2025-10-09. Review status: criteria provided, single submitter. Criteria: LabCorp Variant Classification Summary - May 2015. Collection method: clinical testing. Allele origin: germline.
Comment: Variant summary: ZNF469 c.4997C>A (p.Pro1666Gln) results in a non-conservative amino acid change in the encoded protein sequence. Algorithms developed to predict the effect of missense changes on protein structure and function are either unavailable or do not agree on the potential impact of this missense change. The variant was absent in 153476 control chromosomes. The available data on variant occurrences in the general population are insufficient to allow any conclusion about variant significance. To our knowledge, no occurrence of c.4997C>A in individuals affected with ZNF469-related conditions and no experimental evidence demonstrating its impact on protein function have been reported. ClinVar contains an entry for this variant (Variation ID: 1806819). Based on the evidence outlined above, the variant was classified as uncertain significance.

Ambry Genetics
Classification: Uncertain significance for Cardiovascular phenotype. Last evaluated: 2024-03-13. Review status: criteria provided, single submitter. Criteria: Ambry Variant Classification Scheme 2023. Collection method: clinical testing. Allele origin: germline.
Comment: The p.P1638Q variant (also known as c.4913C>A), located in coding exon 2 of the ZNF469 gene, results from a C to A substitution at nucleotide position 4913. The proline at codon 1638 is replaced by glutamine, an amino acid with similar properties. This amino acid position is conserved. In addition, this alteration is predicted to be tolerated by in silico analysis. Based on the available evidence, the clinical significance of this alteration remains unclear.

GeneDx
Classification: Uncertain significance. Last evaluated: 2022-12-23. Review status: criteria provided, single submitter. Criteria: GeneDx Variant Classification Process June 2021. Collection method: clinical testing. Allele origin: germline. Affected: yes.
Comment: Has not been previously published as pathogenic or benign to our knowledge; Not observed at significant frequency in large population cohorts (gnomAD); In silico analysis supports that this missense variant does not alter protein structure/function